The following is an entry in ClinVar:

NM_001134831.2(AHI1):c.2794C>T (p.Arg932Cys)

Gene: AHI1 (Abelson helper integration site 1; minus strand). Cytogenetic location: 6q23.3.
Variant type: single nucleotide variant.
Coding change: c.2794C>T on transcript NM_001134831.2 (MANE Select); coding-DNA position 2794, C replaced by T.
Protein change: p.Arg932Cys; replaces arginine 932 with cysteine.
Molecular consequence: missense variant.
Genome position (GRCh38, 1-based): chr6:135,411,515, G>A on the plus strand (C>T on the coding strand, the complement: AHI1 is on the minus strand). VCF-style: chr6-135411515-G-A. GRCh37 (hg19) VCF-style: chr6-135732653-G-A.
Other names: c.2794C>T, p.Arg932Cys (NM_001134830.2, NM_001134832.2, NM_001350503.2 and 2 more transcripts); c.2794C>T (NM_017651.4); short protein forms R932C.
Identifiers: ClinVar variation 1043967 (VCV001043967.12), dbSNP rs370101143, ClinGen allele CA4012262.
Genomic context (GRCh38, chr6:135,411,515, plus strand): 5'-AGGTACATAGGGCATCTTGACTTTGGTGTATTCCAGGTAATGGAAATGTTCCATTGTAGC[G>A]TTTGAACATTTCAGCCTCCTGCTGGGCAACTGAAGAAATGAATCCATAATTAGTTAAATC-3'
Protein context (NP_001128303.1, residues 922-942): VAQQEAEMFK[Arg932Cys]YNGTFPLPGI

ClinVar aggregate classification (germline): Conflicting classifications of pathogenicity. Review status: criteria provided, conflicting classifications (1 of 4 stars). 4 submissions from 4 submitters: Uncertain significance (2); Likely benign (1). 1 of the submissions does not count toward it. Last evaluated 2025-11-11.

Conditions:
Inborn genetic diseases. Identifiers: MedGen C0950123, MeSH D030342.
Joubert syndrome 3 (JBTS3). Also called: AHI1-related Ciliopathy. Identifiers: Orphanet 220493, MedGen C1837713, MONDO:0012078, OMIM 608629.
Joubert syndrome. Also called: Familial aplasia of the vermis; CEREBELLOPARENCHYMAL DISORDER IV; JOUBERT-BOLTSHAUSER SYNDROME. Identifiers: Orphanet 475, MedGen C5979921, MONDO:0018772.

Allele frequency attached by ClinVar (database versions not stated): gnomAD exomes 0.00003 and 0.00008; gnomAD 0.00005 and 0.00006; TOPMed 0.00005; ESP Exome Variant Server 0.00008; ExAC 0.00009.
gnomAD v4.1: 50 of 1,594,330 alleles (0.0031%); highest among the groups gnomAD compares: East Asian, 0.063%; no homozygotes.

Submissions (4):

Labcorp Genetics (formerly Invitae), Labcorp
Classification: Likely benign for Joubert syndrome. Last evaluated: 2025-11-11. Review status: criteria provided, single submitter. Criteria: Invitae Variant Classification Sherloc (09022015). Collection method: clinical testing. Allele origin: germline.

Fulgent Genetics
Classification: Uncertain significance for Joubert syndrome 3. Last evaluated: 2024-05-31. Review status: criteria provided, single submitter. Criteria: ACMG Guidelines, 2015. Collection method: clinical testing. Allele origin: germline.

Ambry Genetics
Classification: Uncertain significance for Inborn genetic diseases. Last evaluated: 2023-11-28. Review status: criteria provided, single submitter. Criteria: Ambry Variant Classification Scheme 2023. Collection method: clinical testing. Allele origin: germline.

Department of Pathology and Laboratory Medicine, Sinai Health System
Classification: Uncertain significance. Review status: no assertion criteria provided. Collection method: clinical testing. Allele origin: unknown. Affected: yes. Study: The Canadian Open Genetics Repository (COGR). Not counted in ClinVar's aggregate classification.
Comment: The AHI1 p.Arg932Cys variant was not identified in the literature nor was it identified in ClinVar or Cosmic. The variant was identified in dbSNP (ID: rs370101143) and LOVD 3.0 (classified as likely benign). The variant was also identified in control databases in 21 of 270552 chromosomes at a frequency of 0.000078 (Genome Aggregation Database Feb 27, 2017). The variant was observed in the following populations: East Asian in 18 of 19240 chromosomes (freq: 0.000936), African in 1 of 23996 chromosomes (freq: 0.000042), Latino in 1 of 32838 chromosomes (freq: 0.00003) and European (non-Finnish) in 1 of 125264 chromosomes (freq: 0.000008), but not in the Ashkenazi Jewish, European (Finnish), Other, and South Asian populations. The p.Arg932 residue is conserved in mammals but not in more distantly related organisms however four out of five computational analyses (PolyPhen-2, SIFT, AlignGVGD, BLOSUM, MutationTaster) do not suggest a high likelihood of impact to the protein; this information is not predictive enough to rule out pathogenicity. The variant occurs outside of the splicing consensus sequence and in silico or computational prediction software programs (SpliceSiteFinder, MaxEntScan, NNSPLICE, GeneSplicer) do not predict a difference in splicing. In summary, based on the above information the clinical significance of this variant cannot be determined with certainty at this time. This variant is classified as a variant of uncertain significance.